The following is an entry in ClinVar:

NM_018122.5(DARS2):c.1726C>T (p.Pro576Ser)

Gene: DARS2 (aspartyl-tRNA synthetase 2, mitochondrial; plus strand). Cytogenetic location: 1q25.1.
Variant type: single nucleotide variant.
Coding change: c.1726C>T on transcript NM_018122.5 (MANE Select); coding-DNA position 1726, C replaced by T.
Protein change: p.Pro576Ser; replaces proline 576 with serine.
Molecular consequence: missense variant.
Genome position (GRCh38, 1-based): chr1:173,856,717, C>T. VCF-style: chr1-173856717-C-T. GRCh37 (hg19) VCF-style: chr1-173825855-C-T.
Other names: NM_018122.5:c.1726C>T; c.1573C>T, p.Pro525Ser (NM_001365212.1); short protein forms P525S, P576S.
Identifiers: ClinVar variation 3253200 (VCV003253200.2), dbSNP rs762739196.
Genomic context (GRCh38, chr1:173,856,717, plus strand): 5'-GAATTTCAGGAGGATGTGAAAATGCTCTCCCATCTGCTCCAGGCTTTAGATTATGGGGCA[C>T]CCCCTCATGGAGGAATTGCCTTAGGTAAACAACTTTTCCTTTTATAAGATAAACTGAATT-3'
Protein context (NP_060592.2, residues 566-586): HLLQALDYGA[Pro576Ser]PHGGIALGLD

ClinVar aggregate classification (germline): Uncertain significance. Review status: criteria provided, multiple submitters, no conflicts (2 of 4 stars). 2 submissions from 2 submitters: Uncertain significance (2). Last evaluated 2025-01-21.

Conditions:
Leukoencephalopathy with brain stem and spinal cord involvement-high lactate syndrome (LBSL). Also called: LEUKOENCEPHALOPATHY WITH BRAINSTEM AND SPINAL CORD INVOLVEMENT AND LACTATE ELEVATION, MILD; MITOCHONDRIAL ASPARTYL-tRNA SYNTHETASE DEFICIENCY; Leukoencephalopathy with Brainstem and Spinal Cord Involvement and Lactate Elevation. Identifiers: Orphanet 137898, MedGen C1970180, MONDO:0012622, OMIM 611105.

Allele frequency attached by ClinVar (database versions not stated): ExAC 0.00001.
gnomAD v4.1: 9 of 1,613,788 alleles (0.00056%); highest among the groups gnomAD compares: Non-Finnish European, 0.00076%; no homozygotes.

Submissions (2):

Broad Center for Mendelian Genomics, Broad Institute of MIT and Harvard
Classification: Uncertain significance for Leukoencephalopathy with brain stem and spinal cord involvement-high lactate syndrome. Last evaluated: 2025-01-21. Review status: criteria provided, single submitter. Criteria: ACMG Guidelines, 2015. Collection method: curation. Allele origin: germline. Inheritance: Autosomal recessive inheritance.
Comment: The p.Pro576Ser variant in DARS2 has been reported in 1 individual with leukoencephalopathy with brain stem and spinal cord involvement-high lactate syndrome (PMID: 24566671), and has been identified in 0.0008% (9/1179828) of European (non-Finnish) chromosomes by the Genome Aggregation Database (gnomAD; dbSNP rs762739196). Although this variant has been seen in the general population in a heterozygous state, its frequency is low enough to be consistent with a recessive carrier frequency. Computational prediction tools and conservation analyses suggest that this variant may impact the protein, though this information is not predictive enough to determine pathogenicity. In summary, the clinical significance of the p.Pro576Ser variant is uncertain. ACMG/AMP Criteria applied: PP3_moderate, PM2_supporting (Richards 2015).

GeneDx
Classification: Uncertain significance. Last evaluated: 2024-02-16. Review status: criteria provided, single submitter. Criteria: GeneDx Variant Classification Process June 2021. Collection method: clinical testing. Allele origin: germline. Affected: yes.
Comment: Observed with a second DARS2 variant, phase unknown, in an individual with leukoencephalopathy with brainstem and spinal cord involvement and lactate elevation in published literature (PMID: 24566671); Not observed at significant frequency in large population cohorts (gnomAD); In silico analysis supports that this missense variant has a deleterious effect on protein structure/function; This variant is associated with the following publications: (PMID: 24566671)